The following is an entry in ClinVar:

ClinVar aggregate classification (germline): Conflicting classifications of pathogenicity. Review status: criteria provided, conflicting classifications (1 of 4 stars). 4 submissions from 4 submitters: Pathogenic (1); Likely pathogenic (1); Uncertain significance (1). 1 of the submissions does not count toward it. Last evaluated 2024-03-08.

Conditions:
Schöpf-Schulz-Passarge syndrome. Also called: SchC6pf-Schulz-Passarge syndrome; ECCRINE TUMORS WITH ECTODERMAL DYSPLASIA; KERATOSIS PALMOPLANTARIS WITH CYSTIC EYELIDS, HYPODONTIA, AND HYPOTRICHOSIS. Identifiers: Orphanet 50944, MedGen C1857069, MONDO:0009145, OMIM 224750.
Odonto-onycho-dermal dysplasia. Identifiers: Orphanet 2721, MedGen C0796093, MONDO:0009773, OMIM 257980.
Tooth agenesis, selective, 4 (STHAG4). Also called: SUCCEDANEOUS TEETH, AGENESIS OF; TOOTH AGENESIS, SELECTIVE, 4, WITH OR WITHOUT ECTODERMAL DYSPLASIA; LATERAL INCISORS, ABSENCE OF; LATERAL INCISORS, PEGGED OR MISSING. Identifiers: Orphanet 99798, MedGen C1835492, MONDO:0007881, OMIM 150400. Disease mechanism: loss of function.

Allele frequency attached by ClinVar (database versions not stated): gnomAD exomes below 0.00001; gnomAD 0.00001; TOPMed 0.00001.
gnomAD v4.1: 2 of 1,495,558 alleles (0.00013%); highest among the groups gnomAD compares: Non-Finnish European, 0.00018%; no homozygotes.

Submissions (4):

Fulgent Genetics
Classification: Likely pathogenic for Tooth agenesis, selective, 4; Schöpf-Schulz-Passarge syndrome; Odonto-onycho-dermal dysplasia. Last evaluated: 2024-03-08. Review status: criteria provided, single submitter. Criteria: ACMG Guidelines, 2015. Collection method: clinical testing. Allele origin: germline.

Labcorp Genetics (formerly Invitae), Labcorp
Classification: Pathogenic for Tooth agenesis, selective, 4; Odonto-onycho-dermal dysplasia. Last evaluated: 2023-08-30. Review status: criteria provided, single submitter. Criteria: Invitae Variant Classification Sherloc (09022015). Collection method: clinical testing. Allele origin: germline.
Comment: Advanced modeling of protein sequence and biophysical properties (such as structural, functional, and spatial information, amino acid conservation, physicochemical variation, residue mobility, and thermodynamic stability) has been performed at Invitae for this missense variant, however the output from this modeling did not meet the statistical confidence thresholds required to predict the impact of this variant on WNT10A protein function. For these reasons, this variant has been classified as Pathogenic. ClinVar contains an entry for this variant (Variation ID: 532829). This missense change has been observed in individual(s) with clinical features of odonto-onycho-dermal dysplasia (Invitae). In at least one individual the data is consistent with being in trans (on the opposite chromosome) from a pathogenic variant. This variant is not present in population databases (gnomAD no frequency). This sequence change replaces asparagine, which is neutral and polar, with histidine, which is basic and polar, at codon 304 of the WNT10A protein (p.Asn304His).

Blueprint Genetics
Classification: Uncertain significance. Last evaluated: 2021-03-02. Review status: criteria provided, single submitter. Criteria: ACMG Guidelines, 2015. Collection method: clinical testing. Allele origin: germline.

Natera, Inc.
Classification: Uncertain significance for Schopf-Schulz-Passarge syndrome. Last evaluated: 2021-04-25. Review status: no assertion criteria provided. Collection method: clinical testing. Allele origin: germline. Not counted in ClinVar's aggregate classification.

NM_025216.3(WNT10A):c.910A>C (p.Asn304His)

Gene: WNT10A (Wnt family member 10A; plus strand). Cytogenetic location: 2q35.
Variant type: single nucleotide variant.
Coding change: c.910A>C on transcript NM_025216.3 (MANE Select); coding-DNA position 910, A replaced by C.
Protein change: p.Asn304His; replaces asparagine 304 with histidine.
Molecular consequence: missense variant.
Genome position (GRCh38, 1-based): chr2:218,892,927, A>C. VCF-style: chr2-218892927-A-C. GRCh37 (hg19) VCF-style: chr2-219757649-A-C.
Other names: short protein forms N304H.
Identifiers: ClinVar variation 532829 (VCV000532829.12), dbSNP rs1434390821, ClinGen allele CA350590125.